The following is an entry in ClinVar:

NM_003900.5(SQSTM1):c.286C>T (p.Arg96Ter)

Gene: SQSTM1 (sequestosome 1; plus strand). Cytogenetic location: 5q35.3.
Variant type: single nucleotide variant.
Coding change: c.286C>T on transcript NM_003900.5 (MANE Select); coding-DNA position 286, C replaced by T.
Protein change: p.Arg96Ter; replaces arginine 96 with a stop codon.
Molecular consequence: nonsense.
Genome position (GRCh38, 1-based): chr5:179,823,038, C>T. VCF-style: chr5-179823038-C-T. GRCh37 (hg19) VCF-style: chr5-179250038-C-T.
Other names: c.34C>T, p.Arg12Ter (NM_001142298.2, NM_001142299.2); short protein forms R96*, R12*.
Identifiers: ClinVar variation 265782 (VCV000265782.14), dbSNP rs886039782, ClinGen allele CA10588825.

ClinVar aggregate classification (germline): Pathogenic/Likely pathogenic. Review status: criteria provided, multiple submitters, no conflicts (2 of 4 stars). 5 submissions from 5 submitters: Pathogenic (3); Likely pathogenic (1). 1 of the submissions does not count toward it. Last evaluated 2025-02-28.

Conditions:
Neurodegeneration with ataxia, dystonia, and gaze palsy, childhood-onset (NADGP). Identifiers: MedGen C4310693, MONDO:0014940, OMIM 617145.
SQSTM1-related disorder. Also called: SQSTM1-Related Disorders.
Frontotemporal dementia and/or amyotrophic lateral sclerosis 1 (FTDALS1). Also called: C9orf72 Frontotemporal Dementia and/or Amyotrophic Lateral Sclerosis; Frontotemporal dementia with motor neuron disease 1. Identifiers: Orphanet 275872, MedGen C5779877, MONDO:0007105, OMIM 105550.
Paget disease of bone 2, early-onset (PDB2). Also called: Paget disease of bone 2. Identifiers: MedGen C4085251, MONDO:0011183, OMIM 602080.

Allele frequency attached by ClinVar (database versions not stated): gnomAD 0.00001; TOPMed 0.00001.

Submissions (5):

Labcorp Genetics (formerly Invitae), Labcorp
Classification: Pathogenic for Paget disease of bone 2, early-onset; Frontotemporal dementia and/or amyotrophic lateral sclerosis 1. Last evaluated: 2025-02-28. Review status: criteria provided, single submitter. Criteria: Invitae Variant Classification Sherloc (09022015). Collection method: clinical testing. Allele origin: germline.
Comment: This sequence change creates a premature translational stop signal (p.Arg96*) in the SQSTM1 gene. It is expected to result in an absent or disrupted protein product. Loss-of-function variants in SQSTM1 are known to be pathogenic (PMID: 27545679, 29959261). This variant is not present in population databases (gnomAD no frequency). This premature translational stop signal has been observed in individuals with autosomal recessive neurodegeneration with ataxia, dystonia, and gaze palsy (NADGP) (PMID: 27545679). It has also been observed to segregate with disease in related individuals. ClinVar contains an entry for this variant (Variation ID: 265782). For these reasons, this variant has been classified as Pathogenic.

Centre for Inherited Metabolic Diseases, Karolinska University Hospital
Classification: Pathogenic for Neurodegeneration with ataxia, dystonia, and gaze palsy, childhood-onset. Last evaluated: 2024-03-20. Review status: criteria provided, single submitter. Criteria: ACMG Guidelines, 2015. Collection method: clinical testing. Allele origin: inherited. Inheritance: Autosomal recessive inheritance. Affected: yes. Observed: 1 homozygote.

Centre of Medical Genetics, University Hospital Muenster
Classification: Pathogenic for Neurodegeneration with ataxia, dystonia, and gaze palsy, childhood-onset. Last evaluated: 2022-01-04. Review status: criteria provided, single submitter. Criteria: ACMG Guidelines, 2015. Collection method: clinical testing. Allele origin: unknown. Affected: yes. Observed: 1 variant allele, 1 heterozygote.
Comment: ACMG categories: PVS1,PS1,PP5

Blueprint Genetics
Classification: Likely pathogenic for SQSTM1-related disorders. Last evaluated: 2019-09-17. Review status: criteria provided, single submitter. Criteria: ACMG Guidelines, 2015. Collection method: clinical testing. Allele origin: germline. Affected: yes. Observed: 1 variant allele.

OMIM
Classification: Pathogenic for NEURODEGENERATION WITH ATAXIA, DYSTONIA, AND GAZE PALSY, CHILDHOOD-ONSET. Last evaluated: 2016-10-10. Review status: no assertion criteria provided. Collection method: literature only. Allele origin: germline. Not counted in ClinVar's aggregate classification.

Literature cited by the submitters: PubMed 27545679 (cited by Labcorp Genetics (formerly Invitae), Labcorp and OMIM); PubMed 29959261 (cited by Labcorp Genetics (formerly Invitae), Labcorp).